The following is an entry in ClinVar:

ClinVar aggregate classification (germline): Uncertain significance. Review status: criteria provided, multiple submitters, no conflicts (2 of 4 stars). 2 submissions from 2 submitters: Uncertain significance (2). Last evaluated 2023-11-03.

Conditions:
Charcot-Marie-Tooth disease type 4. Also called: Charcot-Marie-Tooth, Type 4; Charcot-Marie-Tooth disease, type IV. Identifiers: Orphanet 64749, MedGen C4082197, MONDO:0018995.
Inborn genetic diseases. Identifiers: MedGen C0950123, MeSH D030342.

Allele frequency attached by ClinVar (database versions not stated): gnomAD exomes below 0.00001; TOPMed below 0.00001; gnomAD 0.00001.
gnomAD v4.1: 3 of 1,613,962 alleles (0.00019%); highest among the groups gnomAD compares: Non-Finnish European, 0.00025%; no homozygotes.

Submissions (2):

Ambry Genetics
Classification: Uncertain significance for Inborn genetic diseases. Last evaluated: 2023-11-03. Review status: criteria provided, single submitter. Criteria: Ambry Variant Classification Scheme 2023. Collection method: clinical testing. Allele origin: germline.

Labcorp Genetics (formerly Invitae), Labcorp
Classification: Uncertain significance for Charcot-Marie-Tooth disease type 4. Last evaluated: 2020-02-02. Review status: criteria provided, single submitter. Criteria: Invitae Variant Classification Sherloc (09022015). Collection method: clinical testing. Allele origin: germline.
Comment: This sequence change replaces arginine with lysine at codon 264 of the MTMR2 protein (p.Arg264Lys). The arginine residue is moderately conserved and there is a small physicochemical difference between arginine and lysine. In summary, the available evidence is currently insufficient to determine the role of this variant in disease. Therefore, it has been classified as a Variant of Uncertain Significance. Algorithms developed to predict the effect of missense changes on protein structure and function (SIFT, PolyPhen-2, Align-GVGD) all suggest that this variant is likely to be tolerated, but these predictions have not been confirmed by published functional studies and their clinical significance is uncertain. This variant has not been reported in the literature in individuals with MTMR2-related disease. This variant is not present in population databases (ExAC no frequency).

NM_016156.6(MTMR2):c.791G>A (p.Arg264Lys)

Gene: MTMR2 (myotubularin related protein 2; minus strand). Cytogenetic location: 11q21.
Variant type: single nucleotide variant.
Coding change: c.791G>A on transcript NM_016156.6 (MANE Select); coding-DNA position 791, G replaced by A.
Protein change: p.Arg264Lys; replaces arginine 264 with lysine.
Molecular consequence: missense variant.
Genome position (GRCh38, 1-based): chr11:95,850,613, C>T on the plus strand (G>A on the coding strand, the complement: MTMR2 is on the minus strand). VCF-style: chr11-95850613-C-T. GRCh37 (hg19) VCF-style: chr11-95583777-C-T.
Other names: c.575G>A, p.Arg192Lys (NM_001243571.2, NM_201278.3, NM_201281.3); short protein forms R264K, R192K.
Identifiers: ClinVar variation 664000 (VCV000664000.9), dbSNP rs1590984978, ClinGen allele CA382425698.